The following is an entry in ClinVar:

NM_000078.3(CETP):c.818G>A (p.Gly273Glu)

Gene: CETP (cholesteryl ester transfer protein; plus strand). Cytogenetic location: 16q13.
Variant type: single nucleotide variant.
Coding change: c.818G>A on transcript NM_000078.3 (MANE Select); coding-DNA position 818, G replaced by A.
Protein change: p.Gly273Glu; replaces glycine 273 with glutamic acid.
Molecular consequence: missense variant. On other transcripts: intron variant (1).
Genome position (GRCh38, 1-based): chr16:56,973,398, G>A. VCF-style: chr16-56973398-G-A. GRCh37 (hg19) VCF-style: chr16-57007310-G-A.
Other names: c.750+1315G>A (NM_001286085.2); short protein forms G273E.
Identifiers: ClinVar variation 886622 (VCV000886622.7), dbSNP rs201503514, ClinGen allele CA8071111.

ClinVar aggregate classification (germline): Conflicting classifications of pathogenicity. Review status: criteria provided, conflicting classifications (1 of 4 stars). 2 submissions from 2 submitters: Uncertain significance (1); Likely benign (1). Last evaluated 2025-08-27.

Conditions:
Hyperalphalipoproteinemia 1 (HALP1). Also called: CETP-Related Hyperalphalipoproteinemia; CETP DEFICIENCY. Identifiers: MedGen C3149462, OMIM 143470.

Allele frequency attached by ClinVar (database versions not stated): gnomAD 0.00001; ExAC 0.00002; gnomAD exomes 0.00002 and 0.00004; TOPMed 0.00002.
gnomAD v4.1: 60 of 1,614,050 alleles (0.0037%); highest among the groups gnomAD compares: Middle Eastern, 0.016%; no homozygotes.

Submissions (2):

Labcorp Genetics (formerly Invitae), Labcorp
Classification: Uncertain significance. Last evaluated: 2025-08-27. Review status: criteria provided, single submitter. Criteria: Invitae Variant Classification Sherloc (09022015). Collection method: clinical testing. Allele origin: germline.
Comment: This sequence change replaces glycine, which is neutral and non-polar, with glutamic acid, which is acidic and polar, at codon 273 of the CETP protein (p.Gly273Glu). This variant is present in population databases (rs201503514, gnomAD 0.006%). This variant has not been reported in the literature in individuals affected with CETP-related conditions. ClinVar contains an entry for this variant (Variation ID: 886622). Invitae Evidence Modeling of protein sequence and biophysical properties (such as structural, functional, and spatial information, amino acid conservation, physicochemical variation, residue mobility, and thermodynamic stability) has been performed for this missense variant. However, the output from this modeling did not meet the statistical confidence thresholds required to predict the impact of this variant on CETP protein function. In summary, the available evidence is currently insufficient to determine the role of this variant in disease. Therefore, it has been classified as a Variant of Uncertain Significance.

Illumina Laboratory Services, Illumina
Classification: Likely benign for Hyperalphalipoproteinemia 1. Last evaluated: 2018-01-13. Review status: criteria provided, single submitter. Criteria: ICSL Variant Classification Criteria 13 December 2019. Collection method: clinical testing. Allele origin: germline.
Comment: This variant was observed in the ICSL laboratory as part of a predisposition screen in an ostensibly healthy population. It had not been previously curated by ICSL or reported in the Human Gene Mutation Database (HGMD: prior to June 1st, 2018), and was therefore a candidate for classification through an automated scoring system. Utilizing variant allele frequency, disease prevalence and penetrance estimates, and inheritance mode, an automated score was calculated to assess if this variant is too frequent to cause the disease. Based on the score and internal cut-off values, a variant classified as likely benign is not then subjected to further curation. The score for this variant resulted in a classification of likely benign for this disease.